The following is an entry in ClinVar:

ClinVar aggregate classification (germline): Likely benign. Review status: criteria provided, single submitter (1 of 4 stars). 2 submissions from 2 submitters: Likely benign (1). 1 of the submissions does not count toward it. Last evaluated 2024-08-05.

Conditions:
DYNC2H1-related disorder. Also called: DYNC2H1-related disorders; DYNC2H1-related condition. Identifiers: MedGen CN378770.
Jeune thoracic dystrophy. Also called: Jeune syndrome; Infantile thoracic dystrophy; Thoracic pelvic phalangeal dystrophy; Jeune's syndrome; Chondroectodermal dysplasia-like syndrome; Short-rib thoracic dysplasia. Identifiers: Orphanet 474, MedGen C0265275, MONDO:0018770.

Allele frequency attached by ClinVar (database versions not stated): gnomAD 0.00001; TOPMed 0.00001.
gnomAD v4.1: 7 of 1,583,054 alleles (0.00044%); highest among the groups gnomAD compares: African/African-American, 0.0013%; no homozygotes.

Submissions (2):

Labcorp Genetics (formerly Invitae), Labcorp
Classification: Likely benign for Jeune thoracic dystrophy. Last evaluated: 2024-08-05. Review status: criteria provided, single submitter. Criteria: Invitae Variant Classification Sherloc (09022015). Collection method: clinical testing. Allele origin: germline.

PreventionGenetics, part of Exact Sciences
Classification: Likely benign for DYNC2H1-related condition. Last evaluated: 2023-12-07. Review status: no assertion criteria provided. Collection method: clinical testing. Allele origin: germline. Not counted in ClinVar's aggregate classification.
Comment: This variant is classified as likely benign based on ACMG/AMP sequence variant interpretation guidelines (Richards et al. 2015 PMID: 25741868, with internal and published modifications).

NM_001377.3(DYNC2H1):c.7438-9C>G

Gene: DYNC2H1 (dynein cytoplasmic 2 heavy chain 1; plus strand). Cytogenetic location: 11q22.3.
Variant type: single nucleotide variant.
Coding change: c.7438-9C>G on transcript NM_001377.3 (MANE Select); 9 bases into the intron before coding-DNA position 7438, C replaced by G.
Molecular consequence: intron variant.
Genome position (GRCh38, 1-based): chr11:103,191,508, C>G. VCF-style: chr11-103191508-C-G. GRCh37 (hg19) VCF-style: chr11-103062237-C-G.
Other names: c.7438-9C>G (NM_001080463.2, NM_001080463.1).
Identifiers: ClinVar variation 2860733 (VCV002860733.5), dbSNP rs1288881813, ClinGen allele CA601230990.